The following is an entry in ClinVar:

NM_002458.3(MUC5B):c.14063C>T (p.Thr4688Met)

Gene: MUC5B (mucin 5B, oligomeric mucus/gel-forming; plus strand). Cytogenetic location: 11p15.5.
Variant type: single nucleotide variant.
Coding change: c.14063C>T on transcript NM_002458.3 (MANE Select); coding-DNA position 14063, C replaced by T.
Protein change: p.Thr4688Met; replaces threonine 4688 with methionine.
Molecular consequence: missense variant.
Genome position (GRCh38, 1-based): chr11:1,250,943, C>T. VCF-style: chr11-1250943-C-T. GRCh37 (hg19) VCF-style: chr11-1272173-C-T.
Other names: short protein forms T4688M.
Identifiers: ClinVar variation 3770669 (VCV003770669.13).

ClinVar aggregate classification (germline): Likely benign (1 of 4 stars; one submission).

gnomAD v4.1: 2,502 of 1,606,820 alleles (0.16%); highest among the groups gnomAD compares: African/African-American, 1.1%; 10 homozygotes.

Submission:

CeGaT Center for Human Genetics Tuebingen
Classification: Likely benign. Last evaluated: 2025-01-01. Review status: criteria provided, single submitter. Criteria: CeGaT Center For Human Genetics Tuebingen Variant Classification Criteria Version 2. Collection method: clinical testing. Allele origin: germline. Affected: yes. Observed: 1 variant allele.
Comment: MUC5B: BP4, BS1